The following is an entry in ClinVar:

ClinVar aggregate classification (germline): Likely pathogenic. Review status: criteria provided, single submitter (1 of 4 stars). 2 submissions from 2 submitters: Likely pathogenic (1). 1 of the submissions does not count toward it. Last evaluated 2022-09-26.

Conditions:
Familial long QT syndrome (RWS). Also called: Congenital long QT syndrome; Romano-Ward syndrome; VENTRICULAR FIBRILLATION WITH PROLONGED QT INTERVAL. Identifiers: Orphanet 768, MedGen C1141890, MONDO:0019171.
Long QT syndrome (LQTS). Identifiers: MedGen C0023976, MeSH D008133, MONDO:0002442. Disease mechanism: loss of function. Inheritance: Various modes of inheritance.

Submissions (2):

Labcorp Genetics (formerly Invitae), Labcorp
Classification: Likely pathogenic for Long QT syndrome. Last evaluated: 2022-09-26. Review status: criteria provided, single submitter. Criteria: Invitae Variant Classification Sherloc (09022015). Collection method: clinical testing. Allele origin: germline.
Comment: Algorithms developed to predict the effect of missense changes on protein structure and function are either unavailable or do not agree on the potential impact of this missense change (SIFT: "Tolerated"; PolyPhen-2: "Possibly Damaging"; Align-GVGD: "Class C0"). This sequence change replaces arginine, which is basic and polar, with glutamine, which is neutral and polar, at codon 56 of the KCNH2 protein (p.Arg56Gln). This variant is not present in population databases (gnomAD no frequency). This missense change has been observed in individuals with long QT syndrome (PMID: 10973849, 11854117). ClinVar contains an entry for this variant (Variation ID: 67228). Experimental studies have shown that this missense change affects KCNH2 function (PMID: 10187793, 15475579, 20876384, 21536673, 25008322, 25809256, 25923442, 29725305, 30533098, 30988392, 31557540, 34716268). In summary, the currently available evidence indicates that the variant is pathogenic, but additional data are needed to prove that conclusively. Therefore, this variant has been classified as Likely Pathogenic.

Cardiovascular Biomedical Research Unit, Royal Brompton & Harefield NHS Foundation Trust
No classification provided. Condition: Familial long QT syndrome. Review status: no classification provided. Collection method: literature only. Allele origin: germline. Not counted in ClinVar's aggregate classification.
Comment: This variant has been reported as associated with Long QT syndrome in the following publications (PMID:10187793;PMID:10973849;PMID:11854117;PMID:21536673;PMID:22396785). This is a literature report, and does not necessarily reflect the clinical interpretation of the Imperial College / Royal Brompton Cardiovascular Genetics laboratory.

Literature cited by the submitters: PubMed 10973849 (cited by Labcorp Genetics (formerly Invitae), Labcorp and Cardiovascular Biomedical Research Unit, Royal Brompton & Harefield NHS Foundation Trust); PubMed 11854117 (cited by Labcorp Genetics (formerly Invitae), Labcorp and Cardiovascular Biomedical Research Unit, Royal Brompton & Harefield NHS Foundation Trust); PubMed 10187793 (cited by Labcorp Genetics (formerly Invitae), Labcorp and Cardiovascular Biomedical Research Unit, Royal Brompton & Harefield NHS Foundation Trust); PubMed 15475579 (cited by Labcorp Genetics (formerly Invitae), Labcorp); PubMed 20876384 (cited by Labcorp Genetics (formerly Invitae), Labcorp); PubMed 21536673 (cited by Labcorp Genetics (formerly Invitae), Labcorp and Cardiovascular Biomedical Research Unit, Royal Brompton & Harefield NHS Foundation Trust); PubMed 25008322 (cited by Labcorp Genetics (formerly Invitae), Labcorp); PubMed 25809256 (cited by Labcorp Genetics (formerly Invitae), Labcorp); PubMed 25923442 (cited by Labcorp Genetics (formerly Invitae), Labcorp); PubMed 29725305 (cited by Labcorp Genetics (formerly Invitae), Labcorp); PubMed 30533098 (cited by Labcorp Genetics (formerly Invitae), Labcorp); PubMed 30988392 (cited by Labcorp Genetics (formerly Invitae), Labcorp); PubMed 31557540 (cited by Labcorp Genetics (formerly Invitae), Labcorp); PubMed 34716268 (cited by Labcorp Genetics (formerly Invitae), Labcorp); PubMed 22396785 (cited by Cardiovascular Biomedical Research Unit, Royal Brompton & Harefield NHS Foundation Trust); PubMed 22581653 (cited by Cardiovascular Biomedical Research Unit, Royal Brompton & Harefield NHS Foundation Trust).

NM_000238.4(KCNH2):c.167G>A (p.Arg56Gln)

Gene: KCNH2 (potassium voltage-gated channel subfamily H member 2; minus strand). Cytogenetic location: 7q36.1.
Variant type: single nucleotide variant.
Coding change: c.167G>A on transcript NM_000238.4 (MANE Select); coding-DNA position 167, G replaced by A.
Protein change: p.Arg56Gln; replaces arginine 56 with glutamine.
Molecular consequence: missense variant.
Genome position (GRCh38, 1-based): chr7:150,974,851, C>T on the plus strand (G>A on the coding strand, the complement: KCNH2 is on the minus strand). VCF-style: chr7-150974851-C-T. GRCh37 (hg19) VCF-style: chr7-150671939-C-T.
Other names: c.167G>A (LRG_288t1); c.-11G>A (NM_001406755.1); c.167G>A, p.Arg56Gln (NM_172056.3); short protein forms R56Q.
Identifiers: ClinVar variation 67228 (VCV000067228.7), dbSNP rs199472845, ClinGen allele CA005006.